The following is an entry in ClinVar:

ClinVar aggregate classification (germline): Uncertain significance (1 of 4 stars; one submission).

Conditions:
Early Myoclonic Encephalopathy. Identifiers: MedGen C0270855.

Allele frequency attached by ClinVar (database versions not stated): gnomAD exomes below 0.00001.
gnomAD v4.1: 1 of 1,602,590 alleles (0.000062%); highest among the groups gnomAD compares: Admixed American, 0.0017%; no homozygotes.

Submission:

Labcorp Genetics (formerly Invitae), Labcorp
Classification: Uncertain significance for Early Myoclonic Encephalopathy. Last evaluated: 2024-01-24. Review status: criteria provided, single submitter. Criteria: Invitae Variant Classification Sherloc (09022015). Collection method: clinical testing. Allele origin: germline.
Comment: This sequence change replaces isoleucine, which is neutral and non-polar, with threonine, which is neutral and polar, at codon 409 of the JMJD1C protein (p.Ile409Thr). This variant is not present in population databases (gnomAD no frequency). This variant has not been reported in the literature in individuals affected with JMJD1C-related conditions. Advanced modeling of protein sequence and biophysical properties (such as structural, functional, and spatial information, amino acid conservation, physicochemical variation, residue mobility, and thermodynamic stability) performed at Invitae indicates that this missense variant is not expected to disrupt JMJD1C protein function with a negative predictive value of 80%. In summary, the available evidence is currently insufficient to determine the role of this variant in disease. Therefore, it has been classified as a Variant of Uncertain Significance.

NM_032776.3(JMJD1C):c.1226T>C (p.Ile409Thr)

Gene: JMJD1C (jumonji domain containing 1C; minus strand). Cytogenetic location: 10q21.3.
Variant type: single nucleotide variant.
Coding change: c.1226T>C on transcript NM_032776.3 (MANE Select); coding-DNA position 1226, T replaced by C.
Protein change: p.Ile409Thr; replaces isoleucine 409 with threonine.
Molecular consequence: missense variant. On other transcripts: non-coding transcript variant (1).
Genome position (GRCh38, 1-based): chr10:63,214,941, A>G on the plus strand (T>C on the coding strand, the complement: JMJD1C is on the minus strand). VCF-style: chr10-63214941-A-G. GRCh37 (hg19) VCF-style: chr10-64974701-A-G.
Other names: c.680T>C, p.Ile227Thr (NM_001282948.2, NM_001318154.2); c.362T>C, p.Ile121Thr (NM_001318153.2); c.1112T>C, p.Ile371Thr (NM_001322252.2); c.569T>C, p.Ile190Thr (NM_001322254.2, NM_001322258.2); short protein forms I121T, I190T, I227T, I409T, I371T.
Identifiers: ClinVar variation 2879706 (VCV002879706.3), dbSNP rs2492789471, ClinGen allele CA377050267.